The following is an entry in ClinVar:

NM_001844.5(COL2A1):c.494G>C (p.Gly165Ala)

Gene: COL2A1 (collagen type II alpha 1 chain; minus strand). Cytogenetic location: 12q13.11.
Variant type: single nucleotide variant.
Coding change: c.494G>C on transcript NM_001844.5 (MANE Select); coding-DNA position 494, G replaced by C.
Protein change: p.Gly165Ala; replaces glycine 165 with alanine.
Molecular consequence: missense variant.
Genome position (GRCh38, 1-based): chr12:47,997,643, C>G on the plus strand (G>C on the coding strand, the complement: COL2A1 is on the minus strand). VCF-style: chr12-47997643-C-G. GRCh37 (hg19) VCF-style: chr12-48391426-C-G.
Other names: c.287G>C, p.Gly96Ala (NM_033150.3); short protein forms G165A, G96A.
Identifiers: ClinVar variation 2631877 (VCV002631877.1), dbSNP rs1940024014, ClinGen allele CA384524744.

ClinVar aggregate classification (germline): Uncertain significance (1 of 4 stars; one submission).

Conditions:
COL2A1-related disorder. Also called: COL2A1-related condition; COL2A1-related disorders.

Submission:

PreventionGenetics, part of Exact Sciences
Classification: Uncertain significance for COL2A1-related condition. Last evaluated: 2023-08-26. Review status: criteria provided, single submitter. Criteria: ACMG Guidelines, 2015. Collection method: clinical testing. Allele origin: germline.
Comment: The COL2A1 c.494G>C variant is predicted to result in the amino acid substitution p.Gly165Ala. To our knowledge, this variant has not been reported in the literature or in a large population database, indicating this variant is rare. Although this variant impacts a glycine residue within COL2A1, no neighboring glycine variants have been documented in the literature (Human Gene Mutation Database), suggesting that this variant may not play a crucial role in stabilizing the glycine triple helical domain. Although we suspect this variant may be pathogenic, at this time, the clinical significance is uncertain due to the absence of conclusive functional and genetic evidence.